The following is an entry in ClinVar:

NM_144643.4(SCLT1):c.2026A>C (p.Arg676=)

Gene: SCLT1 (sodium channel and clathrin linker 1; minus strand). Cytogenetic location: 4q28.2.
Variant type: single nucleotide variant.
Coding change: c.2026A>C on transcript NM_144643.4 (MANE Select); coding-DNA position 2026, A replaced by C.
Protein change: p.Arg676=; no amino-acid change (arginine 676 retained).
Molecular consequence: synonymous variant.
Genome position (GRCh38, 1-based): chr4:128,884,518, T>G on the plus strand (A>C on the coding strand, the complement: SCLT1 is on the minus strand). VCF-style: chr4-128884518-T-G. GRCh37 (hg19) VCF-style: chr4-129805673-T-G.
Other names: c.2026A>C (NM_144643.3).
Identifiers: ClinVar variation 2972754 (VCV002972754.4), dbSNP rs746196883, ClinGen allele CA3079434.
Genomic context (GRCh38, chr4:128,884,518, plus strand): 5'-GAGTGAACTATGAATATTTTTAAATATTTTCCAGATTCATCAGGGAGGCTGCTTTTCTTC[T>G]CTGCACTGTAATCACACTGAGCTGCAATTAAAATAAACAATCGGTAAGTAGTTACTTTTT-3'
Protein context (NP_653244.2, residues 666-686): SQQLSVITVQ[Arg676=]RKAASLMNLE

ClinVar aggregate classification (germline): Likely benign. Review status: criteria provided, multiple submitters, no conflicts (2 of 4 stars). 2 submissions from 2 submitters: Likely benign (2). Last evaluated 2025-03-19.

Conditions:
SCLT1-related disorder. Also called: SCLT1-related condition.

Allele frequency attached by ClinVar (database versions not stated): ExAC 0.00001; gnomAD exomes 0.00001.
gnomAD v4.1: 15 of 1,603,998 alleles (0.00094%); highest among the groups gnomAD compares: Non-Finnish European, 0.0013%; no homozygotes.

Submissions (2):

PreventionGenetics, part of Exact Sciences
Classification: Likely benign for SCLT1-related condition. Last evaluated: 2025-03-19. Review status: criteria provided, single submitter. Criteria: ACMG Guidelines, 2015. Collection method: clinical testing. Allele origin: germline.
Comment: This variant is classified as likely benign based on ACMG/AMP sequence variant interpretation guidelines (Richards et al. 2015 PMID: 25741868, with internal and published modifications).

Labcorp Genetics (formerly Invitae), Labcorp
Classification: Likely benign. Last evaluated: 2024-01-18. Review status: criteria provided, single submitter. Criteria: Invitae Variant Classification Sherloc (09022015). Collection method: clinical testing. Allele origin: germline.